The following is an entry in ClinVar:

ClinVar aggregate classification (germline): Uncertain significance. Review status: criteria provided, multiple submitters, no conflicts (2 of 4 stars). 2 submissions from 2 submitters: Uncertain significance (2). Last evaluated 2026-03-12.

Allele frequency attached by ClinVar (database versions not stated): gnomAD 0.00001; gnomAD exomes 0.00004 and 0.00008; ExAC 0.00008; TOPMed 0.00008; 1000 Genomes Project 30x 0.00016; 1000 Genomes Project 0.00020.
gnomAD v4.1: 24 of 1,613,494 alleles (0.0015%); highest among the groups gnomAD compares: Admixed American, 0.037%; no homozygotes.

Submissions (2):

GeneDx
Classification: Uncertain significance. Last evaluated: 2026-03-12. Review status: criteria provided, single submitter. Criteria: GeneDx Variant Classification Process June 2021. Collection method: clinical testing. Allele origin: germline.
Comment: In silico analysis suggests that this missense variant does not alter protein structure/function; Has not been previously published as pathogenic or benign to our knowledge

Labcorp Genetics (formerly Invitae), Labcorp
Classification: Uncertain significance. Last evaluated: 2022-07-06. Review status: criteria provided, single submitter. Criteria: Invitae Variant Classification Sherloc (09022015). Collection method: clinical testing. Allele origin: germline.
Comment: This sequence change replaces phenylalanine, which is neutral and non-polar, with leucine, which is neutral and non-polar, at codon 246 of the EPS8 protein (p.Phe246Leu). This variant is present in population databases (rs200403894, gnomAD 0.06%). This variant has not been reported in the literature in individuals affected with EPS8-related conditions. ClinVar contains an entry for this variant (Variation ID: 1429737). Algorithms developed to predict the effect of missense changes on protein structure and function (SIFT, PolyPhen-2, Align-GVGD) all suggest that this variant is likely to be tolerated. In summary, the available evidence is currently insufficient to determine the role of this variant in disease. Therefore, it has been classified as a Variant of Uncertain Significance.

NM_004447.6(EPS8):c.736T>C (p.Phe246Leu)

Gene: EPS8 (EGFR pathway substrate 8, signaling adaptor; minus strand). Cytogenetic location: 12p12.3.
Variant type: single nucleotide variant.
Coding change: c.736T>C on transcript NM_004447.6 (MANE Select); coding-DNA position 736, T replaced by C.
Protein change: p.Phe246Leu; replaces phenylalanine 246 with leucine.
Molecular consequence: missense variant.
Genome position (GRCh38, 1-based): chr12:15,665,756, A>G on the plus strand (T>C on the coding strand, the complement: EPS8 is on the minus strand). VCF-style: chr12-15665756-A-G. GRCh37 (hg19) VCF-style: chr12-15818690-A-G.
Other names: c.736T>C (NM_004447.5); short protein forms F246L.
Identifiers: ClinVar variation 1429737 (VCV001429737.8), dbSNP rs200403894, ClinGen allele CA6467782.
Genomic context (GRCh38, chr12:15,665,756, plus strand): 5'-AAGAACTATGTCCCAACCCAAAGTAAGTGTTCAATAAGTATTAATTCTAGGAAGACTCAC[A>G]GTCCCCTTGGTCGGCTGCCCATGCAGACCAGGCTGCCACTCGACTTCTAACATCCACCTG-3'
Protein context (NP_004438.3, residues 236-256): WSAWAADQGD[Phe246Leu]EKPRQYHEQE